The following is an entry in ClinVar:

ClinVar aggregate classification (germline): Uncertain significance (1 of 4 stars; one submission).

Conditions:
Macular corneal dystrophy (MCD). Also called: GROENOUW TYPE II CORNEAL DYSTROPHY; Macular corneal dystrophy Type I. Identifiers: Orphanet 98969, MedGen C1636149, MONDO:0009020, OMIM 217800.

Allele frequency attached by ClinVar (database versions not stated): TOPMed 0.00002.
gnomAD v4.1: 9 of 1,612,612 alleles (0.00056%); highest among the groups gnomAD compares: East Asian, 0.013%; no homozygotes.

Submission:

Illumina Laboratory Services, Illumina
Classification: Uncertain significance for Macular corneal dystrophy. Last evaluated: 2017-04-27. Review status: criteria provided, single submitter. Criteria: ICSL Variant Classification Criteria 13 December 2019. Collection method: clinical testing. Allele origin: germline.
Comment: This variant was observed as part of a predisposition screen in an ostensibly healthy population. A literature search was performed for the gene, cDNA change, and amino acid change (where applicable). Publications were found based on this search. However, the evidence from the literature, in combination with allele frequency data from public databases where available, was not sufficient to rule this variant in or out of causing disease. Therefore, this variant is classified as a variant of unknown significance.

Literature cited by the submitters: PubMed 19337156; PubMed 16568029; PubMed 25081284; PubMed 17962390; PubMed 19710953.

NM_021615.5(CHST6):c.484C>A (p.Arg162=)

Gene: CHST6 (carbohydrate sulfotransferase 6; minus strand). Cytogenetic location: 16q23.1.
Variant type: single nucleotide variant.
Coding change: c.484C>A on transcript NM_021615.5 (MANE Select); coding-DNA position 484, C replaced by A.
Protein change: p.Arg162=; no amino-acid change (arginine 162 retained).
Molecular consequence: synonymous variant.
Genome position (GRCh38, 1-based): chr16:75,479,345, G>T on the plus strand (C>A on the coding strand, the complement: CHST6 is on the minus strand). VCF-style: chr16-75479345-G-T. GRCh37 (hg19) VCF-style: chr16-75513243-G-T.
Identifiers: ClinVar variation 886987 (VCV000886987.4), dbSNP rs117435647, ClinGen allele CA8175488.